The following is an entry in ClinVar:

NM_001369.3(DNAH5):c.12212_12213insGCCGGGCGCGGTGGCTCACGCCTGTAATCCCAGCACTTTGGGAGGCCGAGGCGGGTGGATCATGAGGTCAGGNNNNNNNNNNAAAAAAAAAAAAAAAAAAAAAAAAATAGAAACCCG (p.Arg4071_Tyr4072insProGlyAlaValAlaHisAlaCysAsnProSerThrLeuGlyGlyArgGlyGlyTrpIleMetArgSerGlyXaaXaaXaaLysLysLysLysLysLysLysLysIleGluThrArg)

Gene: DNAH5 (dynein axonemal heavy chain 5; minus strand). Cytogenetic location: 5p15.2.
Variant type: Insertion.
Coding change: c.12212_12213insGCCGGGCGCGGTGGCTCACGCCTGTAATCCCAGCACTTTGGGAGGCCGAGGCGGGTGGATCATGAGGTCAGGNNNNNNNNNNAAAAAAAAAAAAAAAAAAAAAAAAATAGAAACCCG on transcript NM_001369.3 (MANE Select); coding-DNA positions 12212 to 12213, GCCGGGCGCGGTGGCTCACGCCTGTAATCCCAGCACTTTGGGAGGCCGAGGCGGGTGGATCATGAGGTCAGGNNNNNNNNNNAAAAAAAAAAAAAAAAAAAAAAAAATAGAAACCCG inserted.
Protein change: p.Arg4071_Tyr4072insProGlyAlaValAlaHisAlaCysAsnProSerThrLeuGlyGlyArgGlyGlyTrpIleMetArgSerGlyXaaXaaXaaLysLysLysLysLysLysLysLysIleGluThrArg.
Molecular consequence: inframe insertion.
Genome position: GRCh38: chr5:13,721,081-13,721,082. GRCh37 (hg19): chr5:13,721,190-13,721,191.
Identifiers: ClinVar variation 2808650 (VCV002808650.3), dbSNP rs2546525239.

ClinVar aggregate classification (germline): Pathogenic (1 of 4 stars; one submission).

Conditions:
Primary ciliary dyskinesia. Also called: Ciliary dyskinesia. Identifiers: Orphanet 244, MedGen C0008780, MONDO:0016575, HP:0012265.

Submission:

Labcorp Genetics (formerly Invitae), Labcorp
Classification: Pathogenic for Primary ciliary dyskinesia. Last evaluated: 2025-02-11. Review status: criteria provided, single submitter. Criteria: Invitae Variant Classification Sherloc (09022015). Collection method: clinical testing. Allele origin: germline.
Comment: This sequence change inserts a large fragment of DNA, likely a transposable element, in exon 71 of the DNAH5 gene (c.12212_12213ins?), causing a frameshift at codon 4071 (p.Arg4071fs). The exact size and sequence of the insertion cannot be determined by the current assay. However, the insertion is expected to result in an absent or disrupted protein product. This variant is not present in population databases (gnomAD no frequency). This variant has not been reported in the literature in individuals affected with DNAH5-related conditions. Algorithms developed to predict the effect of sequence changes on RNA splicing suggest that this variant may disrupt the consensus splice site. Retrotransposon insertions including LINE1 (L1), Alu, and SVA (SINE-VNTR-Alu) have been reported to be disease-causing through disruption of either a coding region or splice site (PMID: 19763152, 20307669, 22406018) and loss-of-function variants in DNAH5 are known to be pathogenic (PMID: 11788826, 16627867). For these reasons, this variant has been classified as Pathogenic.

Literature cited by the submitters: PubMed 19763152; PubMed 20307669; PubMed 22406018; PubMed 11788826; PubMed 16627867.